The following is an entry in ClinVar:

ClinVar aggregate classification (germline): Uncertain significance (1 of 4 stars; one submission).

Conditions:
Cryptosporidiosis-chronic cholangitis-liver disease syndrome. Also called: IL21R immunodeficiency; Immunodeficiency type 56. Identifiers: Orphanet 357329, MedGen C3554687, MONDO:0014082, OMIM 615207.

Allele frequency attached by ClinVar (database versions not stated): ExAC 0.00002; gnomAD exomes 0.00003 and 0.00004; TOPMed 0.00003; gnomAD 0.00005.

Submission:

Labcorp Genetics (formerly Invitae), Labcorp
Classification: Uncertain significance for Cryptosporidiosis-chronic cholangitis-liver disease syndrome. Last evaluated: 2025-01-27. Review status: criteria provided, single submitter. Criteria: Invitae Variant Classification Sherloc (09022015). Collection method: clinical testing. Allele origin: germline.
Comment: This sequence change replaces arginine, which is basic and polar, with tryptophan, which is neutral and slightly polar, at codon 163 of the IL21R protein (p.Arg163Trp). This variant is present in population databases (rs764839803, gnomAD 0.01%). This variant has not been reported in the literature in individuals affected with IL21R-related conditions. ClinVar contains an entry for this variant (Variation ID: 1522342). Invitae Evidence Modeling of protein sequence and biophysical properties (such as structural, functional, and spatial information, amino acid conservation, physicochemical variation, residue mobility, and thermodynamic stability) indicates that this missense variant is expected to disrupt IL21R protein function with a positive predictive value of 80%. In summary, the available evidence is currently insufficient to determine the role of this variant in disease. Therefore, it has been classified as a Variant of Uncertain Significance.

NM_181078.3(IL21R):c.487C>T (p.Arg163Trp)

Gene: IL21R (interleukin 21 receptor; plus strand). Cytogenetic location: 16p12.1.
Variant type: single nucleotide variant.
Coding change: c.487C>T on transcript NM_181078.3 (MANE Select); coding-DNA position 487, C replaced by T.
Protein change: p.Arg163Trp; replaces arginine 163 with tryptophan.
Molecular consequence: missense variant.
Genome position (GRCh38, 1-based): chr16:27,443,096, C>T. VCF-style: chr16-27443096-C-T. GRCh37 (hg19) VCF-style: chr16-27454417-C-T.
Other names: c.487C>T, p.Arg163Trp (NM_021798.4); c.553C>T, p.Arg185Trp (NM_181079.5); short protein forms R163W, R185W.
Identifiers: ClinVar variation 1522342 (VCV001522342.5), dbSNP rs764839803, ClinGen allele CA7974979.